The following is an entry in ClinVar:

ClinVar aggregate classification (germline): Pathogenic (1 of 4 stars; one submission).

Conditions:
Usher syndrome type 2A. Also called: RETINAL DISEASE IN USHER SYNDROME TYPE IIA, MODIFIER OF; USHER SYNDROME, TYPE IIA. Identifiers: Orphanet 231178, Orphanet 886, MedGen C1848634, MONDO:0010169, OMIM 276901.

Submission:

Natera, Inc.
Classification: Pathogenic for Usher syndrome type 2A. Last evaluated: 2024-10-14. Review status: criteria provided, single submitter. Criteria: Natera Variant Classification Schema (03/2026). Collection method: clinical testing. Allele origin: germline.
Comment: The c.6325+1G>C variant in USH2A is a canonical splice donor site variant predicted to affect pre-mRNA splicing, which may result in an abnormal transcript and altered protein product. This variant is expected to result in nonsense mediated decay, truncation, or a dysfunctional protein product. This variant is rare in the general population with a frequency below the threshold expected for the associated phenotype(s). This variant has been observed in one or more individuals affected with the associated recessive disease, as either homozygous or compound heterozygous with a second variant (PMID: 29330858). Another variant at this same site results in an alteration predicted to cause a similar molecular effect has been observed in individual(s) with the associated phenotype. Given the available evidence, this variant is classified as Pathogenic.

Literature cited by the submitters: PubMed 29330858.

NM_206933.4(USH2A):c.6325+1G>C

Gene: USH2A (usherin; minus strand). Cytogenetic location: 1q41.
Variant type: single nucleotide variant.
Coding change: c.6325+1G>C on transcript NM_206933.4 (MANE Select); the canonical splice donor site of the intron after coding-DNA position 6325, G replaced by C.
Molecular consequence: splice donor variant.
Genome position (GRCh38, 1-based): chr1:216,046,430, C>G on the plus strand (G>C on the coding strand, the complement: USH2A is on the minus strand). VCF-style: chr1-216046430-C-G. GRCh37 (hg19) VCF-style: chr1-216219772-C-G.
Identifiers: ClinVar variation 4817136 (VCV004817136.1).